The following is an entry in ClinVar:

NM_001040436.3(YARS2):c.780-11T>C

Gene: YARS2 (tyrosyl-tRNA synthetase 2; minus strand). Cytogenetic location: 12p11.21.
Variant type: single nucleotide variant.
Coding change: c.780-11T>C on transcript NM_001040436.3 (MANE Select); 11 bases into the intron before coding-DNA position 780, T replaced by C.
Molecular consequence: intron variant.
Genome position (GRCh38, 1-based): chr12:32,754,096, A>G on the plus strand (T>C on the coding strand, the complement: YARS2 is on the minus strand). VCF-style: chr12-32754096-A-G. GRCh37 (hg19) VCF-style: chr12-32907030-A-G.
Identifiers: ClinVar variation 1801984 (VCV001801984.6), dbSNP rs1018458052, ClinGen allele CA235219615.
Genomic context (GRCh38, chr12:32,754,096, plus strand): 5'-TACTTGTAATTAGAGGAACGGTGATTCCAAATACATCTTCTCCAGTCAACCTACGCATAA[A>G]GAACAATTTCATTATGTGCCTCAAGCACAAGTGGTGGTAGGTTCTACTGTTCACCTTCCA-3'

ClinVar aggregate classification (germline): Conflicting classifications of pathogenicity. Review status: criteria provided, conflicting classifications (1 of 4 stars). 2 submissions from 2 submitters: Uncertain significance (1); Likely benign (1). Last evaluated 2026-01-19.

Allele frequency attached by ClinVar (database versions not stated): gnomAD exomes 0.00001; gnomAD 0.00003; TOPMed 0.00019.

Submissions (2):

Labcorp Genetics (formerly Invitae), Labcorp
Classification: Likely benign. Last evaluated: 2026-01-19. Review status: criteria provided, single submitter. Criteria: Invitae Variant Classification Sherloc (09022015). Collection method: clinical testing. Allele origin: germline.

GeneDx
Classification: Uncertain significance. Last evaluated: 2022-12-05. Review status: criteria provided, single submitter. Criteria: GeneDx Variant Classification Process June 2021. Collection method: clinical testing. Allele origin: germline. Affected: yes.
Comment: Not observed at significant frequency in large population cohorts (gnomAD); In silico analysis supports that this variant does not alter splicing; Has not been previously published as pathogenic or benign to our knowledge